The following is an entry in ClinVar:

NM_001368397.1(FRMPD4):c.405G>C (p.Arg135=)

Gene: FRMPD4 (FERM and PDZ domain containing 4; plus strand). Cytogenetic location: Xp22.2.
Variant type: single nucleotide variant.
Coding change: c.405G>C on transcript NM_001368397.1 (MANE Select); coding-DNA position 405, G replaced by C.
Protein change: p.Arg135=; no amino-acid change (arginine 135 retained).
Molecular consequence: synonymous variant.
Genome position (GRCh38, 1-based): chrX:12,614,864, G>C. VCF-style: chrX-12614864-G-C. GRCh37 (hg19) VCF-style: chrX-12632983-G-C.
Other names: c.516G>C, p.Arg172= (NM_001368395.3, NM_001368398.3); c.405G>C, p.Arg135= (NM_001368396.3, NM_014728.3); c.396G>C, p.Arg132= (NM_001368399.3); c.285G>C, p.Arg95= (NM_001368400.3); c.381G>C, p.Arg127= (NM_001368401.1, NM_001368402.3).
Identifiers: ClinVar variation 2660003 (VCV002660003.24), dbSNP rs2059220073, ClinGen allele CA515509236.

ClinVar aggregate classification (germline): Likely benign (1 of 4 stars; one submission).

Submission:

CeGaT Center for Human Genetics Tuebingen
Classification: Likely benign. Last evaluated: 2023-03-01. Review status: criteria provided, single submitter. Criteria: CeGaT Center For Human Genetics Tuebingen Variant Classification Criteria Version 2. Collection method: clinical testing. Allele origin: germline. Affected: yes. Observed: 1 variant allele.
Comment: FRMPD4: PM2:Supporting, BP4, BP7